The following is an entry in ClinVar:

NM_006486.3(FBLN1):c.1698-11400C>T

Gene: FBLN1 (fibulin 1; plus strand). Cytogenetic location: 22q13.31.
Variant type: single nucleotide variant.
Coding change: c.1698-11400C>T on transcript NM_006486.3 (MANE Select); 11400 bases into the intron before coding-DNA position 1698, C replaced by T.
Molecular consequence: intron variant. On other transcripts: missense variant (1).
Genome position (GRCh38, 1-based): chr22:45,563,111, C>T. VCF-style: chr22-45563111-C-T. GRCh37 (hg19) VCF-style: chr22-45958991-C-T.
Other names: c.1897C>T, p.Arg633Trp (NM_001996.4); c.1698-1773C>T (NM_006485.4); short protein forms R633W.
Identifiers: ClinVar variation 4981521 (VCV004981521.1).

ClinVar aggregate classification (germline): Uncertain significance (1 of 4 stars; one submission).

Conditions:
FBLN1-related disorder. Also called: FBLN1-related condition.

gnomAD v4.1: 33 of 1,613,380 alleles (0.002%); highest among the groups gnomAD compares: Admixed American, 0.0033%; no homozygotes.

Submission:

PreventionGenetics, part of Exact Sciences
Classification: Uncertain significance for FBLN1-related condition. Last evaluated: 2026-08-17. Review status: criteria provided, single submitter. Criteria: ACMG Guidelines, 2015. Collection method: clinical testing. Allele origin: germline.
Comment: The FBLN1 c.1897C>T variant is predicted to result in the amino acid substitution p.Arg633Trp. To our knowledge, this variant has not been reported in the literature. This variant is reported in 0.0058% of alleles in individuals of Latino descent in gnomAD. At this time, the clinical significance of this variant is uncertain due to the absence of conclusive functional and genetic evidence.